The following is an entry in ClinVar:

ClinVar aggregate classification (germline): Pathogenic. Review status: reviewed by expert panel (3 of 4 stars). 8 submissions from 8 submitters: Pathogenic (1). 7 of the submissions do not count toward it. Last evaluated 2024-06-08.

Conditions:
Glycogen storage disease, type II (IOPD). Also called: CARDIOMEGALIA GLYCOGENICA DIFFUSA; Glycogen storage disease type 2; Acid maltase deficiency disease; Aglucosidase alfa; Deficiency of alpha-glucosidase; Deficiency of lysosomal alpha-glucosidase. Identifiers: Orphanet 365, MedGen C0017921, MONDO:0009290, OMIM 232300.

Allele frequency attached by ClinVar (database versions not stated): gnomAD below 0.00001 and 0.00001; gnomAD exomes below 0.00001; TOPMed below 0.00001.

Submissions (8):

ClinGen Lysosomal Storage Disorder Variant Curation Expert Panel
Classification: Pathogenic for Glycogen storage disease, type II. Last evaluated: 2024-06-08. Review status: reviewed by expert panel. Criteria: clingen_lsd_acmg_specifications_v2-1. Collection method: curation. Allele origin: germline. Inheritance: Autosomal recessive inheritance.
Comment: The NM_000152.5:c.1A>G (p.Met1Val, aka p.Met1?) start loss variant in GAA may cause a truncated or absent protein by altering the start codon of the coding sequence and is predicted to lead to the omission of a critical region of the protein (PVS1_Strong; PMIDs 22644586, 30192042, 22252923). This variant is absent in gnomAD v2.1.1. (PM2_Supporting). This variant has been detected in at least 5 individuals with Pompe disease. Three individuals are compound heterozygous for the variant and another pathogenic or likely pathogenic variant in GAA, including c.2608T>C (pArg870Ter) (pathogenic based on classification by the ClinGen LD VCEP, confirmed in trans, 1 point, PMID: 33301762), exon 6-10 deletion (pathogenic, phase confirmed, 1 point, PMID: 37542277), and c.1831G>A (p.Gly611Ser), LP based on classification by the ClinGen LD VCEP; phase unconfirmed, 0.25 points, PMID:33250842). One individual was homozygous for the variant (0.5 point, 29422078). Another patient is compound heterozygous for the variant and another variant in GAA, either c.1714C>G (p.His572Asp) (PMID: 33301762). The allelic data from this patient will be used in the assessment of the second variant and is not included here to avoid circular logic. Total 2.75 points (PM3_Strong). At least two patients with this variant had documented GAA deficiency with <10% of the normal mean control level of GAA activity in dried blood spots (PMID: 33301762, 37542277). One homozygous patient had documented symptoms of severe infantile onset of the disease and was reported to be on enzyme replacement therapy for Pompe disease, and CRIM negative (PMID: 29422078) (PP4_Moderate). Three different missense variants (c.2T>C, c.1A>T, c.3G>A) (ClinVar Variation IDs: 984802, 984798, 972816, respectively], in the same codon have been classified as Pathogenic/Likely pathogenic for Pompe disease by the ClinGen Lysosomal Diseases VCEP. In summary, this variant meets the criteria to be classified as pathogenic for Pompe disease. GAA-specific ACMG/AMP criteria met, based on the specifications of the ClinGen Lysosomal Diseases VCEP (Specifications Version 2.0): PVS1_Strong, PM3_Strong, PP4_Moderate, PM2_Supporting. (Classification approved by the ClinGen Lysosomal Diseases Variant Curation Expert Panel on June 8, 2024)

Genomenon, Inc
Classification: Pathogenic for Glycogen storage disease, type II. Last evaluated: 2026-07-01. Review status: criteria provided, single submitter. Criteria: Genomenon Sequence Variant Interpretation Standards - Updated. Collection method: curation. Allele origin: germline. Affected: yes. Not counted in ClinVar's aggregate classification.
Comment: GAA p.Met1? (c.1A>G) is a variant that disrupts the initiation codon leading to an altered or absent protein product. This variant has been observed in at least one proband with a GAA-related disorder in the compound heterozygous and/or homozygous state (PMID:33741225;33301762;29889338;28316933;30214072;25741864;37542277). It is absent or not present at a significant frequency in gnomAD. In conclusion, we classify GAA p.Met1? (c.1A>G) as a pathogenic variant.

Myriad Genetics, Inc.
Classification: Pathogenic for Glycogen storage disease, type II. Last evaluated: 2025-04-17. Review status: criteria provided, single submitter. Criteria: Myriad Autosomal Dominant, Autosomal Recessive and X-Linked Classification Criteria (2023). Collection method: clinical testing. Allele origin: unknown. Not counted in ClinVar's aggregate classification.
Comment: NM_000152.3(GAA):c.1A>G(M1?) is an initiation codon variant classified as pathogenic in the context of Pompe disease. M1? has been observed in cases with relevant disease (PMID: 37542277, 29422078, 33301762, 33250842, 33741225). Relevant functional assessments of this variant are not available in the literature. M1? has not been observed in referenced population frequency databases. In summary, NM_000152.3(GAA):c.1A>G(M1?) is an initiation codon variant in a gene where loss of function is a known mechanism of disease, is predicted to disrupt protein function, and has been observed more frequently in cases with the relevant disease than in healthy populations. Please note: this variant was assessed in the context of healthy population screening.

Revvity Omics, Revvity
Classification: Pathogenic. Last evaluated: 2024-08-30. Review status: criteria provided, single submitter. Criteria: ACMG Guidelines, 2015. Collection method: clinical testing. Allele origin: germline. Not counted in ClinVar's aggregate classification.

Natera, Inc.
Classification: Pathogenic for Glycogen storage disease type II. Last evaluated: 2024-05-17. Review status: criteria provided, single submitter. Criteria: Natera Variant Classification Schema (03/2026). Collection method: clinical testing. Allele origin: germline. Not counted in ClinVar's aggregate classification.
Comment: The c.1A>G variant in GAA is predicted to result in start loss due to disruption of the initiator methionine. This variant is expected to result in nonsense mediated decay, truncation, or a dysfunctional protein product. This variant is rare in the general population with a frequency below the threshold expected for the associated phenotype(s). This variant has been observed in one or more individuals affected with the associated recessive disease, as either homozygous or compound heterozygous with a second variant (PMID: 33301762). Given the available evidence, this variant is classified as Pathogenic.

Labcorp Genetics (formerly Invitae), Labcorp
Classification: Pathogenic for Glycogen storage disease, type II. Last evaluated: 2024-02-18. Review status: criteria provided, single submitter. Criteria: Invitae Variant Classification Sherloc (09022015). Collection method: clinical testing. Allele origin: germline. Not counted in ClinVar's aggregate classification.
Comment: This sequence change affects the initiator methionine of the GAA mRNA. The next in-frame methionine is located at codon 122. This variant is not present in population databases (gnomAD no frequency). Disruption of the initiator codon has been observed in individuals with Pompe disease (PMID: 22252923, 29124014, 29422078). ClinVar contains an entry for this variant (Variation ID: 188785). This variant disrupts the p.Cys103 amino acid residue in GAA. Other variant(s) that disrupt this residue have been determined to be pathogenic (PMID: 1109266, 14695532, 18429042, 18607768, 24158270, 29181627). This suggests that this residue is clinically significant, and that variants that disrupt this residue are likely to be disease-causing. For these reasons, this variant has been classified as Pathogenic.

Institute of Medical Genetics and Genomics, Sir Ganga Ram Hospital
Classification: Pathogenic for Glycogen storage disease, type II. Last evaluated: 2023-06-22. Review status: criteria provided, single submitter. Criteria: ACMG Guidelines, 2015. Collection method: clinical testing. Allele origin: germline. Inheritance: Autosomal recessive inheritance. Affected: yes. Observed: 1 homozygote. Not counted in ClinVar's aggregate classification.
Comment: This variant has not been found in gnomAD (aggregated) database. This has been previously reported PMID: 18429042 This homozygous variant start loss variant c.1A>G (p.Met1?) has been identified in 6 more patient and in 4 patient in heterozygous state.

Counsyl
Classification: Likely pathogenic for Glycogen storage disease, type II. Last evaluated: 2014-05-15. Review status: no assertion criteria provided. Collection method: literature only. Allele origin: unknown. Inheritance: Autosomal recessive inheritance. Not counted in ClinVar's aggregate classification.

Literature cited by the submitters: PubMed 33741225 (cited by Genomenon, Inc and Myriad Genetics, Inc.); PubMed 33301762 (cited by 3 submitters); PubMed 29889338 (cited by Genomenon, Inc); PubMed 28316933 (cited by Genomenon, Inc); PubMed 30214072 (cited by Genomenon, Inc); PubMed 25741864 (cited by Genomenon, Inc); PubMed 37542277 (cited by Genomenon, Inc and Myriad Genetics, Inc.); PubMed 29422078 (cited by Myriad Genetics, Inc. and Labcorp Genetics (formerly Invitae), Labcorp); PubMed 33250842 (cited by Myriad Genetics, Inc.); PubMed 22252923 (cited by Labcorp Genetics (formerly Invitae), Labcorp and Counsyl); PubMed 29124014 (cited by Labcorp Genetics (formerly Invitae), Labcorp); PubMed 1109266 (cited by Labcorp Genetics (formerly Invitae), Labcorp); PubMed 14695532 (cited by Labcorp Genetics (formerly Invitae), Labcorp); PubMed 18429042 (cited by Labcorp Genetics (formerly Invitae), Labcorp and Institute of Medical Genetics and Genomics, Sir Ganga Ram Hospital); PubMed 18607768 (cited by Labcorp Genetics (formerly Invitae), Labcorp); PubMed 24158270 (cited by Labcorp Genetics (formerly Invitae), Labcorp); PubMed 29181627 (cited by Labcorp Genetics (formerly Invitae), Labcorp).

NM_000152.5(GAA):c.1A>G (p.Met1Val)

Gene: GAA (alpha glucosidase; plus strand). Cytogenetic location: 17q25.3.
Variant type: single nucleotide variant.
Coding change: c.1A>G on transcript NM_000152.5 (MANE Select); coding-DNA position 1, A replaced by G.
Protein change: p.Met1Val; changes the start codon (methionine 1).
Molecular consequence: missense variant, initiator codon variant.
Genome position (GRCh38, 1-based): chr17:80,104,587, A>G. VCF-style: chr17-80104587-A-G. GRCh37 (hg19) VCF-style: chr17-78078386-A-G.
Other names: NM_000152.5(GAA):c.1A>G; p.Met1Val; c.1A>G (LRG_673t1, NM_000152.4); c.1A>G, p.Met1Val (NM_001079803.3, NM_001079804.3); short protein forms M1V.
Identifiers: ClinVar variation 188785 (VCV000188785.26), dbSNP rs786204467, ClinGen allele CA273952.
Genomic context (GRCh38, chr17:80,104,587, plus strand): 5'-CTGCTGAGCCCGCTTTCTTCTCCCGCAGGCCTGTAGGAGCTGTCCAGGCCATCTCCAACC[A>G]TGGGAGTGAGGCACCCGCCCTGCTCCCACCGGCTCCTGGCCGTCTGCGCCCTCGTGTCCT-3'
Protein context (NP_000143.2, residues 1-11): [Met1Val]GVRHPPCSHR